The following is an entry in ClinVar:

NM_001041.4(SI):c.4961C>A (p.Ala1654Asp)

Gene: SI (sucrase-isomaltase; minus strand). Cytogenetic location: 3q26.1.
Variant type: single nucleotide variant.
Coding change: c.4961C>A on transcript NM_001041.4 (MANE Select); coding-DNA position 4961, C replaced by A.
Protein change: p.Ala1654Asp; replaces alanine 1654 with aspartic acid.
Molecular consequence: missense variant.
Genome position (GRCh38, 1-based): chr3:164,992,199, G>T on the plus strand (C>A on the coding strand, the complement: SI is on the minus strand). VCF-style: chr3-164992199-G-T. GRCh37 (hg19) VCF-style: chr3-164709987-G-T.
Other names: c.4961C>A (NM_001041.3); short protein forms A1654D.
Identifiers: ClinVar variation 1482955 (VCV001482955.8), dbSNP rs150702232, ClinGen allele CA2689720.

ClinVar aggregate classification (germline): Uncertain significance. Review status: criteria provided, multiple submitters, no conflicts (2 of 4 stars). 2 submissions from 2 submitters: Uncertain significance (2). Last evaluated 2023-11-27.

Conditions:
Inborn genetic diseases. Identifiers: MedGen C0950123, MeSH D030342.

Allele frequency attached by ClinVar (database versions not stated): ESP Exome Variant Server 0.00008.
gnomAD v4.1: 9 of 1,611,470 alleles (0.00056%); no homozygotes.

Submissions (2):

Ambry Genetics
Classification: Uncertain significance for Inborn genetic diseases. Last evaluated: 2023-11-27. Review status: criteria provided, single submitter. Criteria: Ambry Variant Classification Scheme 2023. Collection method: clinical testing. Allele origin: germline.

Labcorp Genetics (formerly Invitae), Labcorp
Classification: Uncertain significance. Last evaluated: 2021-04-16. Review status: criteria provided, single submitter. Criteria: Invitae Variant Classification Sherloc (09022015). Collection method: clinical testing. Allele origin: germline.
Comment: This sequence change replaces alanine with aspartic acid at codon 1654 of the SI protein (p.Ala1654Asp). The alanine residue is moderately conserved and there is a moderate physicochemical difference between alanine and aspartic acid. This variant is present in population databases (rs150702232, ExAC 0.004%). This variant has not been reported in the literature in individuals with SI-related conditions. Advanced modeling of protein sequence and biophysical properties (such as structural, functional, and spatial information, amino acid conservation, physicochemical variation, residue mobility, and thermodynamic stability) performed at Invitae indicates that this missense variant is expected to disrupt SI protein function. In summary, the available evidence is currently insufficient to determine the role of this variant in disease. Therefore, it has been classified as a Variant of Uncertain Significance.